The following is an entry in ClinVar:

ClinVar aggregate classification (germline): Conflicting classifications of pathogenicity. Review status: criteria provided, conflicting classifications (1 of 4 stars). 4 submissions from 4 submitters: Uncertain significance (1); Benign (1); Likely benign (2). Last evaluated 2026-06-08.

Conditions:
Inborn genetic diseases. Identifiers: MedGen C0950123, MeSH D030342.

Allele frequency attached by ClinVar (database versions not stated): ExAC 0.00009; TOPMed 0.00012; ESP Exome Variant Server 0.00015; 1000 Genomes Project 30x 0.00062; 1000 Genomes Project 0.00080.
gnomAD v4.1: 166 of 1,614,156 alleles (0.01%); highest among the groups gnomAD compares: Middle Eastern, 0.46%; 1 homozygote.

Submissions (4):

Women's Health and Genetics/Laboratory Corporation of America, LabCorp
Classification: Likely benign. Last evaluated: 2026-06-08. Review status: criteria provided, single submitter. Criteria: LabCorp Variant Classification Summary - May 2015. Collection method: clinical testing. Allele origin: germline.

Labcorp Genetics (formerly Invitae), Labcorp
Classification: Benign. Last evaluated: 2026-01-20. Review status: criteria provided, single submitter. Criteria: Invitae Variant Classification Sherloc (09022015). Collection method: clinical testing. Allele origin: germline.

Ambry Genetics
Classification: Uncertain significance for Inborn genetic diseases. Last evaluated: 2025-09-04. Review status: criteria provided, single submitter. Criteria: Ambry Variant Classification Scheme 2023. Collection method: clinical testing. Allele origin: germline.

CeGaT Center for Human Genetics Tuebingen
Classification: Likely benign. Last evaluated: 2022-12-01. Review status: criteria provided, single submitter. Criteria: CeGaT Center For Human Genetics Tuebingen Variant Classification Criteria Version 2. Collection method: clinical testing. Allele origin: germline. Affected: yes. Observed: 1 variant allele.
Comment: ALPK1: BP4, BS2

NM_025144.4(ALPK1):c.2252C>T (p.Pro751Leu)

Gene: ALPK1 (alpha kinase 1; plus strand). Cytogenetic location: 4q25.
Variant type: single nucleotide variant.
Coding change: c.2252C>T on transcript NM_025144.4 (MANE Select); coding-DNA position 2252, C replaced by T.
Protein change: p.Pro751Leu; replaces proline 751 with leucine.
Molecular consequence: missense variant.
Genome position (GRCh38, 1-based): chr4:112,431,799, C>T. VCF-style: chr4-112431799-C-T. GRCh37 (hg19) VCF-style: chr4-113352955-C-T.
Other names: c.2252C>T, p.Pro751Leu (NM_001102406.2); c.2018C>T, p.Pro673Leu (NM_001253884.2); c.2252C>T (NM_025144.3); short protein forms P751L, P673L.
Identifiers: ClinVar variation 2066880 (VCV002066880.30), dbSNP rs145634473, ClinGen allele CA3046884.